The following is an entry in ClinVar:

NM_153006.3(NAGS):c.376C>A (p.Gln126Lys)

Gene: NAGS (N-acetylglutamate synthase; plus strand). Cytogenetic location: 17q21.31.
Variant type: single nucleotide variant.
Coding change: c.376C>A on transcript NM_153006.3 (MANE Select); coding-DNA position 376, C replaced by A.
Protein change: p.Gln126Lys; replaces glutamine 126 with lysine.
Molecular consequence: missense variant.
Genome position (GRCh38, 1-based): chr17:44,005,039, C>A. VCF-style: chr17-44005039-C-A. GRCh37 (hg19) VCF-style: chr17-42082407-C-A.
Other names: c.376C>A (NM_153006.2); short protein forms Q126K.
Identifiers: ClinVar variation 1421473 (VCV001421473.7), dbSNP rs942089643, ClinGen allele CA290903207.
Genomic context (GRCh38, chr17:44,005,039, plus strand): 5'-ATCCAGGCCTTCCTGAACCAGTGCGGGGCCAGCCCTGGGGAGGCGCGCCACTGGCTCACG[C>A]AGTTCCAGACCTGCCATCACTCCGCGGACAAGCCCTTCGCCGTCATCGAGGTGAGCGGAG-3'
Protein context (NP_694551.1, residues 116-136): SPGEARHWLT[Gln126Lys]FQTCHHSADK

ClinVar aggregate classification (germline): Uncertain significance. Review status: criteria provided, multiple submitters, no conflicts (2 of 4 stars). 2 submissions from 2 submitters: Uncertain significance (2). Last evaluated 2024-11-25.

Conditions:
Inborn genetic diseases. Identifiers: MedGen C0950123, MeSH D030342.
Hyperammonemia, type III (NAGSD). Also called: Hyperammonemia due to N-acetylglutamate synthase deficiency. Identifiers: Orphanet 927, MedGen C0268543, MONDO:0009377, OMIM 237310.

Allele frequency attached by ClinVar (database versions not stated): gnomAD 0.00003; TOPMed 0.00008.

Submissions (2):

Ambry Genetics
Classification: Uncertain significance for Inborn genetic diseases. Last evaluated: 2024-11-25. Review status: criteria provided, single submitter. Criteria: Ambry Variant Classification Scheme 2023. Collection method: clinical testing. Allele origin: germline.

Labcorp Genetics (formerly Invitae), Labcorp
Classification: Uncertain significance for Hyperammonemia, type III. Last evaluated: 2024-04-01. Review status: criteria provided, single submitter. Criteria: Invitae Variant Classification Sherloc (09022015). Collection method: clinical testing. Allele origin: germline.
Comment: This sequence change replaces glutamine, which is neutral and polar, with lysine, which is basic and polar, at codon 126 of the NAGS protein (p.Gln126Lys). This variant is not present in population databases (gnomAD no frequency). This variant has not been reported in the literature in individuals affected with NAGS-related conditions. ClinVar contains an entry for this variant (Variation ID: 1421473). Advanced modeling of protein sequence and biophysical properties (such as structural, functional, and spatial information, amino acid conservation, physicochemical variation, residue mobility, and thermodynamic stability) performed at Invitae indicates that this missense variant is not expected to disrupt NAGS protein function with a negative predictive value of 80%. In summary, the available evidence is currently insufficient to determine the role of this variant in disease. Therefore, it has been classified as a Variant of Uncertain Significance.